The following is an entry in ClinVar:

NM_001365480.1(CCDC88A):c.4829G>A (p.Gly1610Asp)

Gene: CCDC88A (coiled-coil and HOOK domain protein 88A; minus strand). Cytogenetic location: 2p16.1.
Variant type: single nucleotide variant.
Coding change: c.4829G>A on transcript NM_001365480.1 (MANE Select); coding-DNA position 4829, G replaced by A.
Protein change: p.Gly1610Asp; replaces glycine 1610 with aspartic acid.
Molecular consequence: missense variant.
Genome position (GRCh38, 1-based): chr2:55,296,520, C>T on the plus strand (G>A on the coding strand, the complement: CCDC88A is on the minus strand). VCF-style: chr2-55296520-C-T. GRCh37 (hg19) VCF-style: chr2-55523656-C-T.
Other names: c.4826G>A, p.Gly1609Asp (NM_001135597.2, NM_001254943.2); c.4745G>A, p.Gly1582Asp (NM_018084.5); short protein forms G1609D, G1610D, G1582D.
Identifiers: ClinVar variation 1895676 (VCV001895676.5), dbSNP rs762847839, ClinGen allele CA1665447.

ClinVar aggregate classification (germline): Uncertain significance (1 of 4 stars; one submission).

Allele frequency attached by ClinVar (database versions not stated): gnomAD exomes below 0.00001; TOPMed below 0.00001; ExAC 0.00001.
gnomAD v4.1: 1 of 1,613,302 alleles (0.000062%); highest among the groups gnomAD compares: South Asian, 0.0011%; no homozygotes.

Submission:

Labcorp Genetics (formerly Invitae), Labcorp
Classification: Uncertain significance. Last evaluated: 2022-05-05. Review status: criteria provided, single submitter. Criteria: Invitae Variant Classification Sherloc (09022015). Collection method: clinical testing. Allele origin: germline.
Comment: In summary, the available evidence is currently insufficient to determine the role of this variant in disease. Therefore, it has been classified as a Variant of Uncertain Significance. Algorithms developed to predict the effect of sequence changes on RNA splicing suggest that this variant may disrupt the consensus splice site. Algorithms developed to predict the effect of missense changes on protein structure and function are either unavailable or do not agree on the potential impact of this missense change (SIFT: "Tolerated"; PolyPhen-2: "Probably Damaging"; Align-GVGD: "Class C0"). This variant has not been reported in the literature in individuals affected with CCDC88A-related conditions. This variant is present in population databases (rs762847839, gnomAD 0.003%). This sequence change replaces glycine, which is neutral and non-polar, with aspartic acid, which is acidic and polar, at codon 1609 of the CCDC88A protein (p.Gly1609Asp).